The following is an entry in ClinVar:

NM_080647.1(TBX1):c.-16A>C

Gene: TBX1 (T-box transcription factor 1; plus strand). Cytogenetic location: 22q11.21.
Variant type: single nucleotide variant.
Coding change: c.-16A>C on transcript NM_080647.1; 16 bases upstream of the start codon, A replaced by C.
Molecular consequence: 5 prime UTR variant.
Genome position (GRCh38, 1-based): chr22:19,759,628, A>C. VCF-style: chr22-19759628-A-C. GRCh37 (hg19) VCF-style: chr22-19747151-A-C.
Other names: c.-16A>C (NM_005992.1, NM_080646.2).
Identifiers: ClinVar variation 3233491 (VCV003233491.1), dbSNP rs1601279923, ClinGen allele CA2396028335.

ClinVar aggregate classification (germline): Uncertain significance (1 of 4 stars; one submission).

Allele frequency attached by ClinVar (database versions not stated): gnomAD exomes below 0.00001.
gnomAD v4.1: 1 of 1,612,026 alleles (0.000062%); highest among the groups gnomAD compares: Non-Finnish European, 0.000085%; no homozygotes.

Submission:

Women's Health and Genetics/Laboratory Corporation of America, LabCorp
Classification: Uncertain significance. Last evaluated: 2024-03-12. Review status: criteria provided, single submitter. Criteria: LabCorp Variant Classification Summary - May 2015. Collection method: clinical testing. Allele origin: germline.
Comment: Variant summary: TBX1 c.-16A>C is located in the untranslated mRNA region upstream of the initiation codon. The variant was absent in 244936 control chromosomes (gnomAD). The available data on variant occurrences in the general population are insufficient to allow any conclusion about variant significance. To our knowledge, no occurrence of c.-16A>C in individuals affected with TBX1-Related Disorders and no experimental evidence demonstrating its impact on protein function have been reported. No submitters have cited clinical-significance assessments for this variant to ClinVar. Based on the evidence outlined above, the variant was classified as uncertain significance.